The following is an entry in ClinVar:

ClinVar aggregate classification (germline): Uncertain significance. Review status: criteria provided, multiple submitters, no conflicts (2 of 4 stars). 2 submissions from 2 submitters: Uncertain significance (2). Last evaluated 2023-07-23.

Conditions:
Developmental and epileptic encephalopathy, 42 (DEE42A). Also called: Epileptic encephalopathy, early infantile, 42; DEVELOPMENTAL AND EPILEPTIC ENCEPHALOPATHY 42A; EPILEPTIC ENCEPHALOPATHY, EARLY INFANTILE, 42A. Identifiers: MedGen C4310716, MONDO:0014917, OMIM 617106.
Episodic ataxia type 2 (EA2). Also called: EPISODIC ATAXIA, NYSTAGMUS-ASSOCIATED; ACETAZOLAMIDE-RESPONSIVE HEREDITARY PAROXYSMAL CEREBELLAR ATAXIA; ATAXIA, EPISODIC, WITH NYSTAGMUS; ATAXIA, FAMILIAL PAROXYSMAL; CEREBELLAR ATAXIA, PAROXYSMAL, ACETAZOLAMIDE-RESPONSIVE; CEREBELLOPATHY, HEREDITARY PAROXYSMAL. Identifiers: Orphanet 97, MedGen C1720416, MONDO:0007163, OMIM 108500.

Submissions (2):

GeneDx
Classification: Uncertain significance. Last evaluated: 2023-07-23. Review status: criteria provided, single submitter. Criteria: GeneDx Variant Classification Process June 2021. Collection method: clinical testing. Allele origin: germline. Affected: yes.
Comment: Not observed at significant frequency in large population cohorts (gnomAD); In silico analysis supports that this missense variant has a deleterious effect on protein structure/function; Has not been previously published as pathogenic or benign to our knowledge

Labcorp Genetics (formerly Invitae), Labcorp
Classification: Uncertain significance for Developmental and epileptic encephalopathy, 42; Episodic ataxia type 2. Last evaluated: 2021-12-03. Review status: criteria provided, single submitter. Criteria: Invitae Variant Classification Sherloc (09022015). Collection method: clinical testing. Allele origin: germline.
Comment: Advanced modeling of protein sequence and biophysical properties (such as structural, functional, and spatial information, amino acid conservation, physicochemical variation, residue mobility, and thermodynamic stability) performed at Invitae indicates that this missense variant is not expected to disrupt CACNA1A protein function. This variant has not been reported in the literature in individuals affected with CACNA1A-related conditions. This variant is not present in population databases (gnomAD no frequency). This sequence change replaces lysine, which is basic and polar, with glutamine, which is neutral and polar, at codon 2026 of the CACNA1A protein (p.Lys2026Gln). In summary, the available evidence is currently insufficient to determine the role of this variant in disease. Therefore, it has been classified as a Variant of Uncertain Significance.

NM_001127222.2(CACNA1A):c.6073A>C (p.Lys2025Gln)

Gene: CACNA1A (calcium voltage-gated channel subunit alpha1 A; minus strand). Cytogenetic location: 19p13.13.
Variant type: single nucleotide variant.
Coding change: c.6073A>C on transcript NM_001127222.2 (MANE Select); coding-DNA position 6073, A replaced by C.
Protein change: p.Lys2025Gln; replaces lysine 2025 with glutamine.
Molecular consequence: missense variant.
Genome position (GRCh38, 1-based): chr19:13,212,500, T>G on the plus strand (A>C on the coding strand, the complement: CACNA1A is on the minus strand). VCF-style: chr19-13212500-T-G. GRCh37 (hg19) VCF-style: chr19-13323314-T-G.
Other names: c.6091A>C, p.Lys2031Gln (NM_000068.4, NM_023035.3); c.6076A>C, p.Lys2026Gln (NM_001127221.2); c.6082A>C, p.Lys2028Gln (NM_001174080.2); c.6076A>C (NM_001127221.1); short protein forms K2031Q, K2025Q, K2026Q, K2028Q.
Identifiers: ClinVar variation 1382467 (VCV001382467.7), dbSNP rs2144525077, ClinGen allele CA404333092.